The following is an entry in ClinVar:

ClinVar aggregate classification (germline): Uncertain significance (1 of 4 stars; one submission).

Conditions:
SLCO1B3-related disorder. Also called: SLCO1B3-related condition.

Allele frequency attached by ClinVar (database versions not stated): ExAC 0.00002; gnomAD exomes 0.00002; TOPMed 0.00002; gnomAD 0.00003.
gnomAD v4.1: 28 of 1,612,092 alleles (0.0017%); highest among the groups gnomAD compares: Middle Eastern, 0.017%; no homozygotes.

Submission:

PreventionGenetics, part of Exact Sciences
Classification: Uncertain significance for SLCO1B3-related condition. Last evaluated: 2022-09-28. Review status: criteria provided, single submitter. Criteria: ACMG Guidelines, 2015. Collection method: clinical testing. Allele origin: germline.
Comment: The SLCO1B3 c.1226A>G variant is predicted to result in the amino acid substitution p.Lys409Arg. To our knowledge, this variant has not been reported in the literature. This variant is reported in 0.0050% of alleles in individuals of East Asian descent in gnomAD. At this time, the clinical significance of this variant is uncertain due to the absence of conclusive functional and genetic evidence.

NM_019844.4(SLCO1B3):c.1226A>G (p.Lys409Arg)

Genes: SLCO1B3 (solute carrier organic anion transporter family member 1B3; plus strand), SLCO1B3-SLCO1B7 (SLCO1B3-SLCO1B7 readthrough; plus strand). Cytogenetic location: 12p12.2.
Variant type: single nucleotide variant.
Coding change: c.1226A>G on transcript NM_019844.4 (MANE Select); coding-DNA position 1226, A replaced by G.
Protein change: p.Lys409Arg; replaces lysine 409 with arginine.
Molecular consequence: missense variant.
Genome position (GRCh38, 1-based): chr12:20,879,526, A>G. VCF-style: chr12-20879526-A-G. GRCh37 (hg19) VCF-style: chr12-21032460-A-G.
Other names: c.1226A>G, p.Lys409Arg (NM_001371097.1); c.1142A>G, p.Lys381Arg (NM_001349920.2); short protein forms K381R, K409R.
Identifiers: ClinVar variation 2635830 (VCV002635830.1), dbSNP rs755125439, ClinGen allele CA6475492.